The following is an entry in ClinVar:

ClinVar aggregate classification (germline): Uncertain significance. Review status: criteria provided, multiple submitters, no conflicts (2 of 4 stars). 2 submissions from 2 submitters: Uncertain significance (2). Last evaluated 2025-12-20.

Conditions:
Cardiovascular phenotype. Identifiers: MedGen CN230736.
Danon disease. Also called: ANTOPOL DISEASE; PSEUDOGLYCOGENOSIS II; GSD IIb; LYSOSOMAL GLYCOGEN STORAGE DISEASE WITHOUT ACID MALTASE DEFICIENCY; Glycogen Storage Disease Type IIb. Identifiers: Orphanet 34587, MedGen C0878677, MONDO:0010281, OMIM 300257.

Allele frequency attached by ClinVar (database versions not stated): gnomAD exomes below 0.00001; TOPMed 0.00002; gnomAD 0.00005.

Submissions (2):

Labcorp Genetics (formerly Invitae), Labcorp
Classification: Uncertain significance for Danon disease. Last evaluated: 2025-12-20. Review status: criteria provided, single submitter. Criteria: Invitae Variant Classification Sherloc (09022015). Collection method: clinical testing. Allele origin: germline.
Comment: This sequence change replaces cysteine, which is neutral and slightly polar, with serine, which is neutral and polar, at codon 3 of the LAMP2 protein (p.Cys3Ser). This variant is not present in population databases (gnomAD no frequency). This variant has not been reported in the literature in individuals affected with LAMP2-related conditions. ClinVar contains an entry for this variant (Variation ID: 1765425). An algorithm developed to predict the effect of missense changes on protein structure and function (PolyPhen-2) suggests that this variant is likely to be disruptive. In summary, the available evidence is currently insufficient to determine the role of this variant in disease. Therefore, it has been classified as a Variant of Uncertain Significance.

Ambry Genetics
Classification: Uncertain significance for Cardiovascular phenotype. Last evaluated: 2023-06-13. Review status: criteria provided, single submitter. Criteria: Ambry Variant Classification Scheme 2023. Collection method: clinical testing. Allele origin: germline.
Comment: The p.C3S variant (also known as c.8G>C), located in coding exon 1 of the LAMP2 gene, results from a G to C substitution at nucleotide position 8. The cysteine at codon 3 is replaced by serine, an amino acid with dissimilar properties. This amino acid position is not well conserved in available vertebrate species. In addition, this alteration is predicted to be tolerated by in silico analysis. Since supporting evidence is limited at this time, the clinical significance of this alteration remains unclear.

NM_002294.3(LAMP2):c.8G>C (p.Cys3Ser)

Gene: LAMP2 (lysosome associated membrane protein 2; minus strand). Cytogenetic location: Xq24.
Variant type: single nucleotide variant.
Coding change: c.8G>C on transcript NM_002294.3 (MANE Select); coding-DNA position 8, G replaced by C.
Protein change: p.Cys3Ser; replaces cysteine 3 with serine.
Molecular consequence: missense variant.
Genome position (GRCh38, 1-based): chrX:120,469,162, C>G on the plus strand (G>C on the coding strand, the complement: LAMP2 is on the minus strand). VCF-style: chrX-120469162-C-G. GRCh37 (hg19) VCF-style: chrX-119603017-C-G.
Other names: c.8G>C, p.Cys3Ser (NM_001122606.1, NM_013995.2); short protein forms C3S.
Identifiers: ClinVar variation 1765425 (VCV001765425.8), dbSNP rs730880489, ClinGen allele CA335014954.